The following is an entry in ClinVar:

NM_033380.3(COL4A5):c.488T>C (p.Met163Thr)

Gene: COL4A5 (collagen type IV alpha 5 chain; plus strand). Cytogenetic location: Xq22.3.
Variant type: single nucleotide variant.
Coding change: c.488T>C on transcript NM_033380.3 (MANE Select); coding-DNA position 488, T replaced by C.
Protein change: p.Met163Thr; replaces methionine 163 with threonine.
Molecular consequence: missense variant.
Genome position (GRCh38, 1-based): chrX:108,573,596, T>C. VCF-style: chrX-108573596-T-C. GRCh37 (hg19) VCF-style: chrX-107816826-T-C.
Other names: c.488T>C, p.Met163Thr (NM_000495.5); short protein forms M163T.
Identifiers: ClinVar variation 266003 (VCV000266003.23), dbSNP rs142503631, ClinGen allele CA10488477.

ClinVar aggregate classification (germline): Benign/Likely benign. Review status: criteria provided, multiple submitters, no conflicts (2 of 4 stars). 6 submissions from 6 submitters: Benign (1); Likely benign (3). 2 of the submissions do not count toward it. Last evaluated 2026-03-01.

Conditions:
COL4A5-related disorder. Also called: COL4A5-related condition.
X-linked Alport syndrome (ATS1). Also called: NEPHROPATHY AND DEAFNESS, X-LINKED; COL4A5-Related Nephropathy. Identifiers: Orphanet 63, Orphanet 88917, MedGen C4746986, MONDO:0010520, OMIM 301050.

Allele frequency attached by ClinVar (database versions not stated): TOPMed 0.00011; gnomAD 0.00012; gnomAD exomes 0.00014 and 0.00020; ESP Exome Variant Server 0.00019; ExAC 0.00030.

Submissions (6):

CeGaT Center for Human Genetics Tuebingen
Classification: Likely benign. Last evaluated: 2026-03-01. Review status: criteria provided, single submitter. Criteria: CeGaT Center For Human Genetics Tuebingen Variant Classification Criteria Version 2. Collection method: clinical testing. Allele origin: germline. Affected: yes. Observed: 3 variant alleles.
Comment: COL4A5: BS2

Labcorp Genetics (formerly Invitae), Labcorp
Classification: Benign. Last evaluated: 2026-01-26. Review status: criteria provided, single submitter. Criteria: Invitae Variant Classification Sherloc (09022015). Collection method: clinical testing. Allele origin: germline.

Fulgent Genetics
Classification: Likely benign for X-linked Alport syndrome. Last evaluated: 2021-10-02. Review status: criteria provided, single submitter. Criteria: ACMG Guidelines, 2015. Collection method: clinical testing. Allele origin: unknown.

GeneDx
Classification: Likely benign. Last evaluated: 2017-03-13. Review status: criteria provided, single submitter. Criteria: GeneDx Variant Classification (06012015). Collection method: clinical testing. Allele origin: germline. Affected: yes.
Comment: This variant is considered likely benign or benign based on one or more of the following criteria: it is a conservative change, it occurs at a poorly conserved position in the protein, it is predicted to be benign by multiple in silico algorithms, and/or has population frequency not consistent with disease.

PreventionGenetics, part of Exact Sciences
Classification: Likely benign for COL4A5-related condition. Last evaluated: 2020-06-30. Review status: no assertion criteria provided. Collection method: clinical testing. Allele origin: germline. Not counted in ClinVar's aggregate classification.
Comment: This variant is classified as likely benign based on ACMG/AMP sequence variant interpretation guidelines (Richards et al. 2015 PMID: 25741868, with internal and published modifications).

Bioscientia Institut fuer Medizinische Diagnostik GmbH, Sonic Healthcare
Classification: Uncertain significance for X-linked Alport syndrome. Review status: no assertion criteria provided. Collection method: clinical testing. Allele origin: germline. Affected: yes. Not counted in ClinVar's aggregate classification.